The following is an entry in ClinVar:

ClinVar aggregate classification (germline): Uncertain significance (1 of 4 stars; one submission).

Submission:

CeGaT Center for Human Genetics Tuebingen
Classification: Uncertain significance. Last evaluated: 2024-12-01. Review status: criteria provided, single submitter. Criteria: CeGaT Center For Human Genetics Tuebingen Variant Classification Criteria Version 2. Collection method: clinical testing. Allele origin: germline. Affected: yes. Observed: 1 variant allele.
Comment: VIM: PP3

NM_003380.5(VIM):c.625G>A (p.Asp209Asn)

Gene: VIM (vimentin; plus strand). Cytogenetic location: 10p13.
Variant type: single nucleotide variant.
Coding change: c.625G>A on transcript NM_003380.5 (MANE Select); coding-DNA position 625, G replaced by A.
Protein change: p.Asp209Asn; replaces aspartic acid 209 with asparagine.
Molecular consequence: missense variant.
Genome position (GRCh38, 1-based): chr10:17,233,587, G>A. VCF-style: chr10-17233587-G-A. GRCh37 (hg19) VCF-style: chr10-17275586-G-A.
Other names: short protein forms D209N.
Identifiers: ClinVar variation 3772101 (VCV003772101.13).
Genomic context (GRCh38, chr10:17,233,587, plus strand): 5'-ATGAGATAAGCCATACACTTTTACATCCTCCATGTCCTGTCTTTTCTCTGTTCAAAATAG[G>A]ATGTTGACAATGCGTCTCTGGCACGTCTTGACCTTGAACGCAAAGTGGAATCTTTGCAAG-3'
Protein context (NP_003371.2, residues 199-219): AENTLQSFRQ[Asp209Asn]VDNASLARLD